The following is an entry in ClinVar:

ClinVar aggregate classification (germline): Uncertain significance (1 of 4 stars; one submission).

Conditions:
Epileptic encephalopathy. Identifiers: MedGen C0543888, HP:0200134.

Submission:

Labcorp Genetics (formerly Invitae), Labcorp
Classification: Uncertain significance for Epileptic encephalopathy. Last evaluated: 2025-08-20. Review status: criteria provided, single submitter. Criteria: Invitae Variant Classification Sherloc (09022015). Collection method: clinical testing. Allele origin: germline.
Comment: This sequence change replaces threonine, which is neutral and polar, with alanine, which is neutral and non-polar, at codon 729 of the FASN protein (p.Thr729Ala). This variant is present in population databases (rs775293139, gnomAD 0.008%). This variant has not been reported in the literature in individuals affected with FASN-related conditions. An algorithm developed to predict the effect of missense changes on protein structure and function (PolyPhen-2) suggests that this variant is likely to be tolerated. In summary, the available evidence is currently insufficient to determine the role of this variant in disease. Therefore, it has been classified as a Variant of Uncertain Significance.

NM_004104.5(FASN):c.2185A>G (p.Thr729Ala)

Gene: FASN (fatty acid synthase; minus strand). Cytogenetic location: 17q25.3.
Variant type: single nucleotide variant.
Coding change: c.2185A>G on transcript NM_004104.5 (MANE Select); coding-DNA position 2185, A replaced by G.
Protein change: p.Thr729Ala; replaces threonine 729 with alanine.
Molecular consequence: missense variant.
Genome position (GRCh38, 1-based): chr17:82,089,088, T>C on the plus strand (A>G on the coding strand, the complement: FASN is on the minus strand). VCF-style: chr17-82089088-T-C. GRCh37 (hg19) VCF-style: chr17-80046964-T-C.
Other names: short protein forms T729A.
Identifiers: ClinVar variation 4711686 (VCV004711686.1).